The following is an entry in ClinVar:

NM_138713.4(NFAT5):c.341C>T (p.Ser114Leu)

Gene: NFAT5 (nuclear factor of activated T cells 5; plus strand). Cytogenetic location: 16q22.1.
Variant type: single nucleotide variant.
Coding change: c.341C>T on transcript NM_138713.4 (MANE Select); coding-DNA position 341, C replaced by T.
Protein change: p.Ser114Leu; replaces serine 114 with leucine.
Molecular consequence: missense variant. On other transcripts: nonsense (1).
Genome position (GRCh38, 1-based): chr16:69,647,115, C>T. VCF-style: chr16-69647115-C-T. GRCh37 (hg19) VCF-style: chr16-69681018-C-T.
Other names: c.341C>T, p.Ser114Leu (NM_001113178.3); c.88C>T, p.Gln30Ter (NM_001367709.1); c.287C>T, p.Ser96Leu (NM_006599.4); c.59C>T, p.Ser20Leu (NM_138714.4, NM_173214.3, NM_173215.3); short protein forms S20L, S96L, Q30*, S114L.
Identifiers: ClinVar variation 2698015 (VCV002698015.3), dbSNP rs200844772, ClinGen allele CA283342711.
Genomic context (GRCh38, chr16:69,647,115, plus strand): 5'-CCATGGGCGGTGCTTGCAGCTCCTTTACCACCTCTTCCAGCCCTACCATTTATTCTACCT[C>T]AGTCACCGACAGCAAGGCTATGCAAGTGGAGAGCTGCTCCTCAGCCGTGGGGGTAAGTAA-3'
Protein context (NP_619727.2, residues 104-124): TSSSPTIYST[Ser114Leu]VTDSKAMQVE

ClinVar aggregate classification (germline): Uncertain significance (1 of 4 stars; one submission).

Conditions:
Immunodeficiency. Identifiers: MedGen C0021051, MONDO:0021094, HP:0002721.

Allele frequency attached by ClinVar (database versions not stated): gnomAD exomes below 0.00001.
gnomAD v4.1: 4 of 1,613,748 alleles (0.00025%); highest among the groups gnomAD compares: Non-Finnish European, 0.00034%; no homozygotes.

Submission:

Labcorp Genetics (formerly Invitae), Labcorp
Classification: Uncertain significance for Immunodeficiency. Last evaluated: 2023-11-21. Review status: criteria provided, single submitter. Criteria: Invitae Variant Classification Sherloc (09022015). Collection method: clinical testing. Allele origin: germline.
Comment: This sequence change replaces serine, which is neutral and polar, with leucine, which is neutral and non-polar, at codon 20 of the NFAT5 protein (p.Ser20Leu). This variant is not present in population databases (gnomAD no frequency). This variant has not been reported in the literature in individuals affected with NFAT5-related conditions. An algorithm developed to predict the effect of missense changes on protein structure and function (PolyPhen-2) suggests that this variant is likely to be disruptive. In summary, the available evidence is currently insufficient to determine the role of this variant in disease. Therefore, it has been classified as a Variant of Uncertain Significance.